The following is an entry in ClinVar:

ClinVar aggregate classification (germline): Likely benign (0 of 4 stars; one submission).

Conditions:
SLC17A9-related disorder. Also called: SLC17A9-related condition.

Allele frequency attached by ClinVar (database versions not stated): gnomAD exomes 0.00006; ExAC 0.00027; gnomAD 0.00062; TOPMed 0.00087; 1000 Genomes Project 0.00100; ESP Exome Variant Server 0.00106; 1000 Genomes Project 30x 0.00125.
gnomAD v4.1: 180 of 1,614,100 alleles (0.011%); highest among the groups gnomAD compares: African/African-American, 0.2%; 1 homozygote.

Submission:

PreventionGenetics, part of Exact Sciences
Classification: Likely benign for SLC17A9-related condition. Last evaluated: 2019-07-16. Review status: no assertion criteria provided. Collection method: clinical testing. Allele origin: germline.
Comment: This variant is classified as likely benign based on ACMG/AMP sequence variant interpretation guidelines (Richards et al. 2015 PMID: 25741868, with internal and published modifications).

NM_022082.4(SLC17A9):c.546C>T (p.Gly182=)

Gene: SLC17A9 (solute carrier family 17 member 9; plus strand). Cytogenetic location: 20q13.33.
Variant type: single nucleotide variant.
Coding change: c.546C>T on transcript NM_022082.4 (MANE Select); coding-DNA position 546, C replaced by T.
Protein change: p.Gly182=; no amino-acid change (glycine 182 retained).
Molecular consequence: synonymous variant.
Genome position (GRCh38, 1-based): chr20:62,962,672, C>T. VCF-style: chr20-62962672-C-T. GRCh37 (hg19) VCF-style: chr20-61594024-C-T.
Other names: c.528C>T, p.Gly176= (NM_001302643.2).
Identifiers: ClinVar variation 3050601 (VCV003050601.2), dbSNP rs146187658, ClinGen allele CA9952940.